The following is an entry in ClinVar:

NM_002345.4(LUM):c.300C>T (p.Asn100=)

Gene: LUM (lumican; minus strand). Cytogenetic location: 12q21.33.
Variant type: single nucleotide variant.
Coding change: c.300C>T on transcript NM_002345.4 (MANE Select); coding-DNA position 300, C replaced by T.
Protein change: p.Asn100=; no amino-acid change (asparagine 100 retained).
Molecular consequence: synonymous variant.
Genome position (GRCh38, 1-based): chr12:91,108,680, G>A on the plus strand (C>T on the coding strand, the complement: LUM is on the minus strand). VCF-style: chr12-91108680-G-A. GRCh37 (hg19) VCF-style: chr12-91502457-G-A.
Identifiers: ClinVar variation 3038362 (VCV003038362.2), dbSNP rs141944101, ClinGen allele CA6716800.
Genomic context (GRCh38, chr12:91,108,680, plus strand): 5'-CTTCTTCAGTTGTTTCAATTTAGAGAAAACTCTCCCTTTTATCTTGGAGTTTTCTAGAAG[G>A]TTGTGATCTAGAATGAGCCACTGCAGATCAGTTACATTCTCAAAGGCCTTTTCATCAATA-3'
Protein context (NP_002336.1, residues 90-110): TDLQWLILDH[Asn100=]LLENSKIKGR

ClinVar aggregate classification (germline): Likely benign (0 of 4 stars; one submission).

Conditions:
LUM-related disorder. Also called: LUM-related condition.

Allele frequency attached by ClinVar (database versions not stated): 1000 Genomes Project 30x 0.00094; 1000 Genomes Project 0.00100; ESP Exome Variant Server 0.00138; ExAC 0.00160; gnomAD 0.00188; TOPMed 0.00202.
gnomAD v4.1: 5,073 of 1,613,714 alleles (0.31%); highest among the groups gnomAD compares: Non-Finnish European, 0.4%; 13 homozygotes.

Submission:

PreventionGenetics, part of Exact Sciences
Classification: Likely benign for LUM-related condition. Last evaluated: 2019-03-06. Review status: no assertion criteria provided. Collection method: clinical testing. Allele origin: germline.
Comment: This variant is classified as likely benign based on ACMG/AMP sequence variant interpretation guidelines (Richards et al. 2015 PMID: 25741868, with internal and published modifications).